The following is an entry in ClinVar:

ClinVar aggregate classification (germline): Uncertain significance (1 of 4 stars; one submission).

Allele frequency attached by ClinVar (database versions not stated): gnomAD exomes 0.00002.
gnomAD v4.1: 33 of 1,550,090 alleles (0.0021%); highest among the groups gnomAD compares: Non-Finnish European, 0.0022%; no homozygotes.

Submission:

Labcorp Genetics (formerly Invitae), Labcorp
Classification: Uncertain significance. Last evaluated: 2021-12-21. Review status: criteria provided, single submitter. Criteria: Invitae Variant Classification Sherloc (09022015). Collection method: clinical testing. Allele origin: germline.
Comment: This sequence change replaces tyrosine, which is neutral and polar, with histidine, which is basic and polar, at codon 1026 of the EYS protein (p.Tyr1026His). This variant is not present in population databases (gnomAD no frequency). This variant has not been reported in the literature in individuals affected with EYS-related conditions. Algorithms developed to predict the effect of missense changes on protein structure and function (SIFT, PolyPhen-2, Align-GVGD) all suggest that this variant is likely to be disruptive. In summary, the available evidence is currently insufficient to determine the role of this variant in disease. Therefore, it has been classified as a Variant of Uncertain Significance.

NM_001142800.2(EYS):c.3076T>C (p.Tyr1026His)

Gene: EYS (eyes shut homolog; minus strand). Cytogenetic location: 6q12.
Variant type: single nucleotide variant.
Coding change: c.3076T>C on transcript NM_001142800.2 (MANE Select); coding-DNA position 3076, T replaced by C.
Protein change: p.Tyr1026His; replaces tyrosine 1026 with histidine.
Molecular consequence: missense variant.
Genome position (GRCh38, 1-based): chr6:64,822,739, A>G on the plus strand (T>C on the coding strand, the complement: EYS is on the minus strand). VCF-style: chr6-64822739-A-G. GRCh37 (hg19) VCF-style: chr6-65532632-A-G.
Other names: c.3076T>C, p.Tyr1026His (NM_001292009.2); short protein forms Y1026H.
Identifiers: ClinVar variation 1440700 (VCV001440700.5), dbSNP rs913206057, ClinGen allele CA140369235.